The following is an entry in ClinVar:

NM_003664.5(AP3B1):c.835G>A (p.Asp279Asn)

Gene: AP3B1 (adaptor related protein complex 3 subunit beta 1; minus strand). Cytogenetic location: 5q14.1.
Variant type: single nucleotide variant.
Coding change: c.835G>A on transcript NM_003664.5 (MANE Select); coding-DNA position 835, G replaced by A.
Protein change: p.Asp279Asn; replaces aspartic acid 279 with asparagine.
Molecular consequence: missense variant.
Genome position (GRCh38, 1-based): chr5:78,181,614, C>T on the plus strand (G>A on the coding strand, the complement: AP3B1 is on the minus strand). VCF-style: chr5-78181614-C-T. GRCh37 (hg19) VCF-style: chr5-77477438-C-T.
Other names: c.688G>A, p.Asp230Asn (NM_001271769.2); short protein forms D230N, D279N.
Identifiers: ClinVar variation 1389340 (VCV001389340.8), dbSNP rs751922416, ClinGen allele CA3317278.

ClinVar aggregate classification (germline): Uncertain significance (1 of 4 stars; one submission).

Conditions:
Hermansky-Pudlak syndrome 2 (HPS2). Also called: Platelet defects and oculocutaneous albinism. Identifiers: Orphanet 183678, Orphanet 79430, MedGen C1842362, MONDO:0011997, OMIM 608233.

gnomAD v4.1: 1 of 1,611,546 alleles (0.000062%); highest among the groups gnomAD compares: Non-Finnish European, 0.000085%; no homozygotes.

Submission:

Labcorp Genetics (formerly Invitae), Labcorp
Classification: Uncertain significance for Hermansky-Pudlak syndrome 2. Last evaluated: 2021-03-31. Review status: criteria provided, single submitter. Criteria: Invitae Variant Classification Sherloc (09022015). Collection method: clinical testing. Allele origin: germline.
Comment: This variant has not been reported in the literature in individuals with AP3B1-related conditions. In summary, the available evidence is currently insufficient to determine the role of this variant in disease. Therefore, it has been classified as a Variant of Uncertain Significance. Algorithms developed to predict the effect of missense changes on protein structure and function are either unavailable or do not agree on the potential impact of this missense change (SIFT: "Deleterious"; PolyPhen-2: "Benign"; Align-GVGD: "Class C0"). This variant is present in population databases (rs751922416, ExAC 0.002%). This sequence change replaces aspartic acid with asparagine at codon 279 of the AP3B1 protein (p.Asp279Asn). The aspartic acid residue is weakly conserved and there is a small physicochemical difference between aspartic acid and asparagine.